The following is an entry in ClinVar:

NM_005159.5(ACTC1):c.375G>C (p.Met125Ile)

Genes: ACTC1 (actin alpha cardiac muscle 1; minus strand), GJD2-DT (GJD2 divergent transcript; plus strand). Cytogenetic location: 15q14.
Variant type: single nucleotide variant.
Coding change: c.375G>C on transcript NM_005159.5 (MANE Select); coding-DNA position 375, G replaced by C.
Protein change: p.Met125Ile; replaces methionine 125 with isoleucine.
Molecular consequence: missense variant.
Genome position (GRCh38, 1-based): chr15:34,793,324, C>G on the plus strand (G>C on the coding strand, the complement: ACTC1 is on the minus strand). VCF-style: chr15-34793324-C-G. GRCh37 (hg19) VCF-style: chr15-35085525-C-G.
Other names: c.375G>C (LRG_388t1); short protein forms M125I.
Identifiers: ClinVar variation 659534 (VCV000659534.12), dbSNP rs1595761338, ClinGen allele CA391631375.
Genomic context (GRCh38, chr15:34,793,324, plus strand): 5'-ATACAGGGATAGCACTGCCTGGATGGCCACGTACATGGCAGGGACATTGAAGGTCTCAAA[C>G]ATGATCTGAGTCATCTTCTCCCGGTTGGCCTTGGGGTTCAGCGGGGCCTCTGTGAGCAGG-3'
Protein context (NP_005150.1, residues 115-135): KANREKMTQI[Met125Ile]FETFNVPAMY

ClinVar aggregate classification (germline): Conflicting classifications of pathogenicity. Review status: criteria provided, conflicting classifications (1 of 4 stars). 3 submissions from 3 submitters: Likely pathogenic (1); Uncertain significance (1). 1 of the submissions does not count toward it. Last evaluated 2020-06-04.

Conditions:
ACTC1-related disorder. Also called: ACTC1-related condition.
Hypertrophic cardiomyopathy 11. Also called: ACTC1-Related Familial Hypertrophic Cardiomyopathy. Identifiers: MedGen C2677506, MONDO:0012799, OMIM 612098.
Dilated cardiomyopathy 1R (CMD1R). Identifiers: Orphanet 154, Orphanet 54260, MedGen C3150681, MONDO:0013261, OMIM 613424.
Atrial septal defect 5 (ASD5). Identifiers: Orphanet 1478, MedGen C2748552, MONDO:0013011, OMIM 612794.

Submissions (3):

Blueprint Genetics
Classification: Likely pathogenic for ACTC1-related disorders. Last evaluated: 2020-06-04. Review status: criteria provided, single submitter. Criteria: ACMG Guidelines, 2015. Collection method: clinical testing. Allele origin: germline. Affected: yes. Observed: 1 variant allele.

Labcorp Genetics (formerly Invitae), Labcorp
Classification: Uncertain significance for Dilated cardiomyopathy 1R; Hypertrophic cardiomyopathy 11; Atrial septal defect 5. Last evaluated: 2018-07-09. Review status: criteria provided, single submitter. Criteria: Invitae Variant Classification Sherloc (09022015). Collection method: clinical testing. Allele origin: germline.
Comment: This sequence change replaces methionine with isoleucine at codon 125 of the ACTC1 protein (p.Met125Ile). The methionine residue is highly conserved and there is a small physicochemical difference between methionine and isoleucine. In summary, the available evidence is currently insufficient to determine the role of this variant in disease. Therefore, it has been classified as a Variant of Uncertain Significance. Algorithms developed to predict the effect of missense changes on protein structure and function are either unavailable or do not agree on the potential impact of this missense change (SIFT: "Deleterious"; PolyPhen-2: "Benign"; Align-GVGD: "Class C0"). This variant has not been reported in the literature in individuals with ACTC1-related disease. This variant is not present in population databases (ExAC no frequency).

PreventionGenetics, part of Exact Sciences
Classification: Likely pathogenic for ACTC1-related condition. Last evaluated: 2023-10-24. Review status: no assertion criteria provided. Collection method: clinical testing. Allele origin: germline. Not counted in ClinVar's aggregate classification.
Comment: The ACTC1 c.375G>C variant is predicted to result in the amino acid substitution p.Met125Ile. To our knowledge, this variant has not been reported in the literature or in a large population database, indicating this variant is rare. At PreventionGenetics, this variant has been found to segregate with disease in a family affected with congenital heart defects (Internal Data). A different missense variant affecting this residue (p.Met125Val) has been reported to segregate with atrial septal defects in two families (referred to as M123V in Matsson et al. 2008. PubMed ID: 17947298). This variant is interpreted as likely pathogenic.